The following is an entry in ClinVar:

NM_080605.4(B3GALT6):c.26G>T (p.Arg9Leu)

Gene: B3GALT6 (beta-1,3-galactosyltransferase 6; plus strand). Cytogenetic location: 1p36.33.
Variant type: single nucleotide variant.
Coding change: c.26G>T on transcript NM_080605.4 (MANE Select); coding-DNA position 26, G replaced by T.
Protein change: p.Arg9Leu; replaces arginine 9 with leucine.
Molecular consequence: missense variant.
Genome position (GRCh38, 1-based): chr1:1,232,304, G>T. VCF-style: chr1-1232304-G-T. GRCh37 (hg19) VCF-style: chr1-1167684-G-T.
Other names: short protein forms R9L.
Identifiers: ClinVar variation 2086675 (VCV002086675.3), dbSNP rs1478555453, ClinGen allele CA337821953.

ClinVar aggregate classification (germline): Uncertain significance (1 of 4 stars; one submission).

Conditions:
Ehlers-Danlos syndrome, spondylodysplastic type, 2 (EDSSPD2). Also called: Ehlers-Danlos syndrome, progeroid type, 2. Identifiers: Orphanet 536467, Orphanet 75496, MedGen C3809210, MONDO:0014139, OMIM 615349.
Spondyloepimetaphyseal dysplasia with joint laxity (SEMDJL). Identifiers: MedGen C0432243, MONDO:0019675.

gnomAD v4.1: 39 of 982,428 alleles (0.004%); highest among the groups gnomAD compares: Non-Finnish European, 0.0047%; no homozygotes.

Submission:

Labcorp Genetics (formerly Invitae), Labcorp
Classification: Uncertain significance for Ehlers-Danlos syndrome, spondylodysplastic type, 2; Spondyloepimetaphyseal dysplasia with joint laxity. Last evaluated: 2022-02-18. Review status: criteria provided, single submitter. Criteria: Invitae Variant Classification Sherloc (09022015). Collection method: clinical testing. Allele origin: germline.
Comment: In summary, the available evidence is currently insufficient to determine the role of this variant in disease. Therefore, it has been classified as a Variant of Uncertain Significance. Algorithms developed to predict the effect of missense changes on protein structure and function are either unavailable or do not agree on the potential impact of this missense change (SIFT: "Deleterious"; PolyPhen-2: "Not Available"; Align-GVGD: "Class C15"). This variant has not been reported in the literature in individuals affected with B3GALT6-related conditions. The frequency data for this variant in the population databases is considered unreliable, as metrics indicate insufficient coverage at this position in the gnomAD database. This sequence change replaces arginine, which is basic and polar, with leucine, which is neutral and non-polar, at codon 9 of the B3GALT6 protein (p.Arg9Leu).